The following is an entry in ClinVar:

NM_001171.6(ABCC6):c.67G>A (p.Ala23Thr)

Gene: ABCC6 (ATP binding cassette subfamily C member 6; minus strand). Cytogenetic location: 16p13.11.
Variant type: single nucleotide variant.
Coding change: c.67G>A on transcript NM_001171.6 (MANE Select); coding-DNA position 67, G replaced by A.
Protein change: p.Ala23Thr; replaces alanine 23 with threonine.
Molecular consequence: missense variant. On other transcripts: 5 prime UTR variant (1), non-coding transcript variant (1).
Genome position (GRCh38, 1-based): chr16:16,221,801, C>T on the plus strand (G>A on the coding strand, the complement: ABCC6 is on the minus strand). VCF-style: chr16-16221801-C-T. GRCh37 (hg19) VCF-style: chr16-16315658-C-T.
Other names: c.67G>A, p.Ala23Thr (NM_001079528.4); c.-307G>A (NM_001351800.1); c.67G>A (NM_001171.5); short protein forms A23T.
Identifiers: ClinVar variation 3578644 (VCV003578644.2).

ClinVar aggregate classification (germline): Uncertain significance. Review status: criteria provided, multiple submitters, no conflicts (2 of 4 stars). 2 submissions from 2 submitters: Uncertain significance (2). Last evaluated 2025-05-05.

Conditions:
ABCC6-related disorder. Also called: ABCC6-related condition.
Autosomal recessive inherited pseudoxanthoma elasticum (PXE). Identifiers: Orphanet 758, MedGen CN032334, MONDO:0009925, OMIM 264800.
Pseudoxanthoma elasticum, forme fruste. Also called: PSEUDOXANTHOMA ELASTICUM, HETEROZYGOUS; Pseudoxanthoma Elasticum, Incomplete. Identifiers: Orphanet 758, MedGen C1867450, MONDO:0008333, OMIM 177850.
Arterial calcification, generalized, of infancy, 2. Identifiers: Orphanet 51608, MedGen C3276161, MONDO:0013768, OMIM 614473.

gnomAD v4.1: 68 of 1,613,340 alleles (0.0042%); highest among the groups gnomAD compares: East Asian, 0.025%; no homozygotes.

Submissions (2):

PreventionGenetics, part of Exact Sciences
Classification: Uncertain significance for ABCC6-related condition. Last evaluated: 2025-05-05. Review status: criteria provided, single submitter. Criteria: ACMG Guidelines, 2015. Collection method: clinical testing. Allele origin: germline.
Comment: The ABCC6 c.67G>A variant is predicted to result in the amino acid substitution p.Ala23Thr. To our knowledge, this variant has not been reported in the literature. This variant is reported in 0.036% of alleles in individuals of East Asian descent in gnomAD. At this time, the clinical significance of this variant is uncertain due to the absence of conclusive functional and genetic evidence.

Fulgent Genetics
Classification: Uncertain significance for Pseudoxanthoma elasticum, forme fruste; Autosomal recessive inherited pseudoxanthoma elasticum; Arterial calcification, generalized, of infancy, 2. Last evaluated: 2024-02-02. Review status: criteria provided, single submitter. Criteria: ACMG Guidelines, 2015. Collection method: clinical testing. Allele origin: germline.